The following is an entry in ClinVar:

NM_000368.5(TSC1):c.2503-14T>G

Gene: TSC1 (TSC complex subunit 1; minus strand). Cytogenetic location: 9q34.13.
Variant type: single nucleotide variant.
Coding change: c.2503-14T>G on transcript NM_000368.5 (MANE Select); 14 bases into the intron before coding-DNA position 2503, T replaced by G.
Molecular consequence: intron variant.
Genome position (GRCh38, 1-based): chr9:132,900,851, A>C on the plus strand (T>G on the coding strand, the complement: TSC1 is on the minus strand). VCF-style: chr9-132900851-A-C. GRCh37 (hg19) VCF-style: chr9-135776238-A-C.
Other names: c.2137-14T>G (NM_001406620.1, NM_001406621.1, NM_001406622.1 and 1 more transcripts); c.2140-14T>G (NM_001406618.1, NM_001406617.1, NM_001406619.1 and 4 more transcripts); c.2095-14T>G (NM_001406625.1); c.2305-14T>G (NM_001406613.1); c.2347-14T>G (NM_001406612.1, NM_001406611.1); c.2350-14T>G (NM_001406610.1, NM_001162427.2); c.1549-14T>G (NM_001406627.1, NM_001406628.1); c.1450-14T>G (NM_001406629.1, NM_001406630.1); and 8 more.
Identifiers: ClinVar variation 2824872 (VCV002824872.3), dbSNP rs2538554716, ClinGen allele CA2739265166.

ClinVar aggregate classification (germline): Uncertain significance (1 of 4 stars; one submission).

Conditions:
Tuberous sclerosis 1 (TSC1). Identifiers: Orphanet 805, MedGen C1854465, MONDO:0008612, OMIM 191100.

Submission:

Labcorp Genetics (formerly Invitae), Labcorp
Classification: Uncertain significance for Tuberous sclerosis 1. Last evaluated: 2022-12-29. Review status: criteria provided, single submitter. Criteria: Invitae Variant Classification Sherloc (09022015). Collection method: clinical testing. Allele origin: germline.
Comment: In summary, the available evidence is currently insufficient to determine the role of this variant in disease. Therefore, it has been classified as a Variant of Uncertain Significance. Algorithms developed to predict the effect of sequence changes on RNA splicing suggest that this variant may disrupt the consensus splice site. This variant has not been reported in the literature in individuals affected with TSC1-related conditions. This variant is not present in population databases (gnomAD no frequency). This sequence change falls in intron 19 of the TSC1 gene. It does not directly change the encoded amino acid sequence of the TSC1 protein.